The following is an entry in ClinVar:

ClinVar aggregate classification (germline): Uncertain significance. Review status: criteria provided, multiple submitters, no conflicts (2 of 4 stars). 5 submissions from 5 submitters: Uncertain significance (5). Last evaluated 2026-02-19.

Conditions:
Neuronopathy, distal hereditary motor, type 7B. Also called: NEURONOPATHY, DISTAL HEREDITARY MOTOR, AUTOSOMAL DOMINANT 14; NEURONOPATHY, DISTAL HEREDITARY MOTOR, HARDING TYPE VIIB; HMN VIIB; LOWER MOTOR NEURON DISEASE, DYNACTIN TYPE; Distal Hereditary Motor Neuronopathy Type 7B (dHMN7B); NEUROPATHY, DISTAL HEREDITARY MOTOR, HARDING TYPE VIIB. Identifiers: Orphanet 139589, MedGen C1843315, MONDO:0011879, OMIM 607641.
Amyotrophic lateral sclerosis type 1 (ALS1). Also called: AMYOTROPHIC LATERAL SCLEROSIS 1, FAMILIAL. Identifiers: Orphanet 803, MedGen C1862939, MONDO:0007103, OMIM 105400.
Perry syndrome. Also called: PARKINSONISM WITH ALVEOLAR HYPOVENTILATION AND MENTAL DEPRESSION. Identifiers: Orphanet 178509, MedGen C1868594, MONDO:0008201, OMIM 168605.
DCTN1-related disorder. Also called: DCTN1-related condition.
Inborn genetic diseases. Identifiers: MedGen C0950123, MeSH D030342.

Allele frequency attached by ClinVar (database versions not stated): ExAC 0.00001; gnomAD 0.00001; gnomAD exomes 0.00001; TOPMed 0.00001; ESP Exome Variant Server 0.00008.
gnomAD v4.1: 6 of 1,614,102 alleles (0.00037%); highest among the groups gnomAD compares: Non-Finnish European, 0.00051%; no homozygotes.

Submissions (5):

PreventionGenetics, part of Exact Sciences
Classification: Uncertain significance for DCTN1-related condition. Last evaluated: 2026-02-19. Review status: criteria provided, single submitter. Criteria: ACMG Guidelines, 2015. Collection method: clinical testing. Allele origin: germline.
Comment: The DCTN1 c.1837C>T variant is predicted to result in the amino acid substitution p.Pro613Ser. To our knowledge, this variant has not been reported in the literature. This variant is reported in 0.0018% of alleles in individuals of European (non-Finnish) descent in gnomAD. At this time, the clinical significance of this variant is uncertain due to the absence of conclusive functional and genetic evidence.

Ambry Genetics
Classification: Uncertain significance for Inborn genetic diseases. Last evaluated: 2025-09-28. Review status: criteria provided, single submitter. Criteria: Ambry Variant Classification Scheme 2023. Collection method: clinical testing. Allele origin: germline.

Labcorp Genetics (formerly Invitae), Labcorp
Classification: Uncertain significance for Amyotrophic lateral sclerosis type 1; Neuronopathy, distal hereditary motor, type 7B; Perry syndrome. Last evaluated: 2024-10-01. Review status: criteria provided, single submitter. Criteria: Invitae Variant Classification Sherloc (09022015). Collection method: clinical testing. Allele origin: germline.
Comment: This sequence change replaces proline, which is neutral and non-polar, with serine, which is neutral and polar, at codon 613 of the DCTN1 protein (p.Pro613Ser). This variant is present in population databases (rs372808221, gnomAD 0.002%). This variant has not been reported in the literature in individuals affected with DCTN1-related conditions. ClinVar contains an entry for this variant (Variation ID: 960768). Invitae Evidence Modeling of protein sequence and biophysical properties (such as structural, functional, and spatial information, amino acid conservation, physicochemical variation, residue mobility, and thermodynamic stability) indicates that this missense variant is not expected to disrupt DCTN1 protein function with a negative predictive value of 80%. In summary, the available evidence is currently insufficient to determine the role of this variant in disease. Therefore, it has been classified as a Variant of Uncertain Significance.

GeneDx
Classification: Uncertain significance. Last evaluated: 2024-03-20. Review status: criteria provided, single submitter. Criteria: GeneDx Variant Classification Process June 2021. Collection method: clinical testing. Allele origin: germline. Affected: yes.
Comment: Not observed at significant frequency in large population cohorts (gnomAD); In silico analysis supports that this missense variant has a deleterious effect on protein structure/function; Has not been previously published as pathogenic or benign to our knowledge

Fulgent Genetics
Classification: Uncertain significance for Amyotrophic lateral sclerosis type 1; Perry syndrome; Neuronopathy, distal hereditary motor, type 7B. Last evaluated: 2021-09-19. Review status: criteria provided, single submitter. Criteria: ACMG Guidelines, 2015. Collection method: clinical testing. Allele origin: unknown.

NM_004082.5(DCTN1):c.1837C>T (p.Pro613Ser)

Gene: DCTN1 (dynactin subunit 1; minus strand). Cytogenetic location: 2p13.1.
Variant type: single nucleotide variant.
Coding change: c.1837C>T on transcript NM_004082.5 (MANE Select); coding-DNA position 1837, C replaced by T.
Protein change: p.Pro613Ser; replaces proline 613 with serine.
Molecular consequence: missense variant. On other transcripts: non-coding transcript variant (1).
Genome position (GRCh38, 1-based): chr2:74,368,745, G>A on the plus strand (C>T on the coding strand, the complement: DCTN1 is on the minus strand). VCF-style: chr2-74368745-G-A. GRCh37 (hg19) VCF-style: chr2-74595872-G-A.
Other names: c.1777C>T, p.Pro593Ser (NM_001135040.3); c.1435C>T, p.Pro479Ser (NM_001135041.3, NM_023019.4); c.1726C>T, p.Pro576Ser (NM_001190836.2); c.1816C>T, p.Pro606Ser (NM_001190837.2); c.1786C>T, p.Pro596Ser (NM_001378991.1); c.1768C>T, p.Pro590Ser (NM_001378992.1); short protein forms P593S, P613S, P479S, P590S, P576S, P596S, P606S.
Identifiers: ClinVar variation 960768 (VCV000960768.18), dbSNP rs372808221, ClinGen allele CA1722033.
Genomic context (GRCh38, chr2:74,368,745, plus strand): 5'-AGTTCACTAGATTTCTGTGGAACATGTGATTGATTGGCCATACCTTGCAAATGAGACGAG[G>A]CATGAGCAACAGCACCAGAACGCAGTCATGGTCCCCACCTGGCCGAAGGAAGCTGTCAGG-3'
Protein context (NP_004073.2, residues 603-623): HDCVLVLLLM[Pro613Ser]RLICKAELIR